The following is an entry in ClinVar:

NM_025152.3(NUBPL):c.709C>T (p.Gln237Ter)

Gene: NUBPL (NUBP iron-sulfur cluster assembly factor, mitochondrial; plus strand). Cytogenetic location: 14q12.
Variant type: single nucleotide variant.
Coding change: c.709C>T on transcript NM_025152.3 (MANE Select); coding-DNA position 709, C replaced by T.
Protein change: p.Gln237Ter; replaces glutamine 237 with a stop codon.
Molecular consequence: nonsense. On other transcripts: non-coding transcript variant (1).
Genome position (GRCh38, 1-based): chr14:31,846,486, C>T. VCF-style: chr14-31846486-C-T. GRCh37 (hg19) VCF-style: chr14-32315692-C-T.
Other names: c.421C>T, p.Gln141Ter (NM_001201573.2); c.160C>T, p.Gln54Ter (NM_001201574.2); short protein forms Q54*, Q141*, Q237*.
Identifiers: ClinVar variation 4766165 (VCV004766165.1).

ClinVar aggregate classification (germline): Pathogenic (1 of 4 stars; one submission).

Submission:

Labcorp Genetics (formerly Invitae), Labcorp
Classification: Pathogenic. Last evaluated: 2025-10-06. Review status: criteria provided, single submitter. Criteria: Invitae Variant Classification Sherloc (09022015). Collection method: clinical testing. Allele origin: germline.
Comment: This sequence change creates a premature translational stop signal (p.Gln237*) in the NUBPL gene. It is expected to result in an absent or disrupted protein product. Loss-of-function variants in NUBPL are known to be pathogenic (PMID: 23553477, 31917109). This variant is not present in population databases (gnomAD no frequency). This variant has not been reported in the literature in individuals affected with NUBPL-related conditions. Algorithms developed to predict the effect of sequence changes on RNA splicing suggest that this variant may disrupt the consensus splice site. For these reasons, this variant has been classified as Pathogenic.

Literature cited by the submitters: PubMed 23553477; PubMed 31917109.